The following is an entry in ClinVar:

NM_000093.5(COL5A1):c.5068-96G>A

Genes: COL5A1 (collagen type V alpha 1 chain; plus strand), LOC101448202 (uncharacterized LOC101448202; minus strand). Cytogenetic location: 9q34.3.
Variant type: single nucleotide variant.
Coding change: c.5068-96G>A on transcript NM_000093.5 (MANE Select); 96 bases into the intron before coding-DNA position 5068, G replaced by A.
Molecular consequence: intron variant.
Genome position (GRCh38, 1-based): chr9:134,829,880, G>A. VCF-style: chr9-134829880-G-A. GRCh37 (hg19) VCF-style: chr9-137721726-G-A.
Other names: c.5068-228G>A (NM_001278074.1).
Identifiers: ClinVar variation 675615 (VCV000675615.1), dbSNP rs112225289, ClinGen allele CA201104524.

ClinVar aggregate classification (germline): Likely benign (1 of 4 stars; one submission).

Allele frequency attached by ClinVar (database versions not stated): gnomAD 0.01043; 1000 Genomes Project 0.01098; TOPMed 0.01210; 1000 Genomes Project 30x 0.01327.
gnomAD v4.1: 3,175 of 1,382,264 alleles (0.23%); highest among the groups gnomAD compares: African/African-American, 3.6%; 55 homozygotes.

Submission:

GeneDx
Classification: Likely benign. Last evaluated: 2018-06-14. Review status: criteria provided, single submitter. Criteria: GeneDx Variant Classification (06012015). Collection method: clinical testing. Allele origin: germline. Affected: yes.
Comment: This variant is considered likely benign or benign based on one or more of the following criteria: it is a conservative change, it occurs at a poorly conserved position in the protein, it is predicted to be benign by multiple in silico algorithms, and/or has population frequency not consistent with disease.